The following is an entry in ClinVar:

NM_001371623.1(TCOF1):c.688A>T (p.Thr230Ser)

Gene: TCOF1 (treacle ribosome biogenesis factor 1; plus strand). Cytogenetic location: 5q32.
Variant type: single nucleotide variant.
Coding change: c.688A>T on transcript NM_001371623.1 (MANE Select); coding-DNA position 688, A replaced by T.
Protein change: p.Thr230Ser; replaces threonine 230 with serine.
Molecular consequence: missense variant. On other transcripts: intron variant (2).
Genome position (GRCh38, 1-based): chr5:150,372,054, A>T. VCF-style: chr5-150372054-A-T. GRCh37 (hg19) VCF-style: chr5-149751617-A-T.
Other names: c.688A>T, p.Thr230Ser (NM_001008657.3, NM_001135243.2, NM_001135244.2 and 1 more transcripts); c.640-2120A>T (NM_001135245.2, NM_000356.4); short protein forms T230S.
Identifiers: ClinVar variation 3371855 (VCV003371855.4).

ClinVar aggregate classification (germline): Uncertain significance. Review status: criteria provided, multiple submitters, no conflicts (2 of 4 stars). 2 submissions from 2 submitters: Uncertain significance (2). Last evaluated 2025-06-24.

Conditions:
Treacher Collins syndrome 1 (TCS1). Also called: TCOF1-Related Treacher Collins Syndrome. Identifiers: Orphanet 861, MedGen CN315775, MONDO:0007944, OMIM 154500.

gnomAD v4.1: 99 of 1,614,118 alleles (0.0061%); highest among the groups gnomAD compares: Non-Finnish European, 0.0084%; no homozygotes.

Submissions (2):

GeneDx
Classification: Uncertain significance. Last evaluated: 2025-06-24. Review status: criteria provided, single submitter. Criteria: GeneDx Variant Classification Process June 2021. Collection method: clinical testing. Allele origin: germline. Affected: yes.
Comment: In silico analysis suggests that this missense variant does not alter protein structure/function; Has not been previously published as pathogenic or benign to our knowledge

Labcorp Genetics (formerly Invitae), Labcorp
Classification: Uncertain significance for Treacher Collins syndrome 1. Last evaluated: 2024-05-12. Review status: criteria provided, single submitter. Criteria: Invitae Variant Classification Sherloc (09022015). Collection method: clinical testing. Allele origin: germline.
Comment: This sequence change replaces threonine, which is neutral and polar, with serine, which is neutral and polar, at codon 230 of the TCOF1 protein (p.Thr230Ser). This variant is present in population databases (rs367999825, gnomAD 0.003%). This variant has not been reported in the literature in individuals affected with TCOF1-related conditions. Algorithms developed to predict the effect of missense changes on protein structure and function output the following: SIFT: "Not Available"; PolyPhen-2: "Possibly Damaging"; Align-GVGD: "Not Available". The serine amino acid residue is found in multiple mammalian species, which suggests that this missense change does not adversely affect protein function. In summary, the available evidence is currently insufficient to determine the role of this variant in disease. Therefore, it has been classified as a Variant of Uncertain Significance.